The following is an entry in ClinVar:

ClinVar aggregate classification (germline): Uncertain significance (1 of 4 stars; one submission).

Allele frequency attached by ClinVar (database versions not stated): ExAC 0.00002; gnomAD 0.00007 and 0.00008.
gnomAD v4.1: 88 of 1,611,300 alleles (0.0055%); highest among the groups gnomAD compares: Middle Eastern, 0.016%; no homozygotes.

Submission:

Labcorp Genetics (formerly Invitae), Labcorp
Classification: Uncertain significance. Last evaluated: 2025-08-28. Review status: criteria provided, single submitter. Criteria: Invitae Variant Classification Sherloc (09022015). Collection method: clinical testing. Allele origin: germline.
Comment: This sequence change replaces isoleucine, which is neutral and non-polar, with valine, which is neutral and non-polar, at codon 273 of the SRP54 protein (p.Ile273Val). This variant is present in population databases (rs746403621, gnomAD 0.05%), and has an allele count higher than expected for a pathogenic variant. This variant has not been reported in the literature in individuals affected with SRP54-related conditions. ClinVar contains an entry for this variant (Variation ID: 1391832). Invitae Evidence Modeling of protein sequence and biophysical properties (such as structural, functional, and spatial information, amino acid conservation, physicochemical variation, residue mobility, and thermodynamic stability) indicates that this missense variant is not expected to disrupt SRP54 protein function with a negative predictive value of 80%. In summary, the available evidence is currently insufficient to determine the role of this variant in disease. Therefore, it has been classified as a Variant of Uncertain Significance.

NM_003136.4(SRP54):c.817A>G (p.Ile273Val)

Gene: SRP54 (signal recognition particle 54; plus strand). Cytogenetic location: 14q13.2.
Variant type: single nucleotide variant.
Coding change: c.817A>G on transcript NM_003136.4 (MANE Select); coding-DNA position 817, A replaced by G.
Protein change: p.Ile273Val; replaces isoleucine 273 with valine.
Molecular consequence: missense variant.
Genome position (GRCh38, 1-based): chr14:35,013,833, A>G. VCF-style: chr14-35013833-A-G. GRCh37 (hg19) VCF-style: chr14-35483039-A-G.
Other names: c.670A>G, p.Ile224Val (NM_001146282.2); short protein forms I273V, I224V.
Identifiers: ClinVar variation 1391832 (VCV001391832.8), dbSNP rs746403621, ClinGen allele CA7153691.